The following is an entry in ClinVar:

ClinVar aggregate classification (germline): Uncertain significance (1 of 4 stars; one submission).

gnomAD v4.1: 1 of 1,613,992 alleles (0.000062%); highest among the groups gnomAD compares: Admixed American, 0.0017%; no homozygotes.

Submission:

GeneDx
Classification: Uncertain significance. Last evaluated: 2026-04-01. Review status: criteria provided, single submitter. Criteria: GeneDx Variant Classification Process June 2021. Collection method: clinical testing. Allele origin: germline.
Comment: Not observed at significant frequency in large population cohorts (gnomAD); In silico analysis suggests that this missense variant does not alter protein structure/function; Has not been previously published as pathogenic or benign to our knowledge

NM_206933.4(USH2A):c.5815T>C (p.Ser1939Pro)

Genes: USH2A (usherin; minus strand), USH2A-AS2 (USH2A antisense RNA 2; plus strand). Cytogenetic location: 1q41.
Variant type: single nucleotide variant.
Coding change: c.5815T>C on transcript NM_206933.4 (MANE Select); coding-DNA position 5815, T replaced by C.
Protein change: p.Ser1939Pro; replaces serine 1939 with proline.
Molecular consequence: missense variant.
Genome position (GRCh38, 1-based): chr1:216,072,931, A>G on the plus strand (T>C on the coding strand, the complement: USH2A is on the minus strand). VCF-style: chr1-216072931-A-G. GRCh37 (hg19) VCF-style: chr1-216246273-A-G.
Other names: short protein forms S1939P.
Identifiers: ClinVar variation 5017194 (VCV005017194.1).